The following is an entry in ClinVar:

NM_000048.4(ASL):c.379C>T (p.Gln127Ter)

Gene: ASL (argininosuccinate lyase; plus strand). Cytogenetic location: 7q11.21.
Variant type: single nucleotide variant.
Coding change: c.379C>T on transcript NM_000048.4 (MANE Select); coding-DNA position 379, C replaced by T.
Protein change: p.Gln127Ter; replaces glutamine 127 with a stop codon.
Molecular consequence: nonsense.
Genome position (GRCh38, 1-based): chr7:66,083,107, C>T. VCF-style: chr7-66083107-C-T. GRCh37 (hg19) VCF-style: chr7-65548094-C-T.
Other names: c.379C>T, p.Gln127Ter (NM_001024943.2, NM_001024944.2, NM_001024946.2); short protein forms Q127*.
Identifiers: ClinVar variation 984303 (VCV000984303.3), dbSNP rs1786558577, ClinGen allele CA367639332.
Genomic context (GRCh38, chr7:66,083,107, plus strand): 5'-CTCCCTGAGCACCATCTCCTCCTTGCACAGGTGGTCACAGACCTCAGGCTGTGGATGCGG[C>T]AGACCTGCTCCACGCTCTCGGGCCTCCTCTGGGAGCTCATTAGGACCATGGTGGATCGGG-3'

ClinVar aggregate classification (germline): Likely pathogenic (1 of 4 stars; one submission).

Conditions:
Argininosuccinate lyase deficiency. Also called: Argininosuccinic aciduria; ARGININOSUCCINIC ACID LYASE DEFICIENCY; ASL DEFICIENCY. Identifiers: Orphanet 23, MedGen C0268547, MONDO:0008815, OMIM 207900, HP:0025630.

Submission:

Myriad Genetics, Inc.
Classification: Likely pathogenic for Argininosuccinate lyase deficiency. Last evaluated: 2019-03-29. Review status: criteria provided, single submitter. Criteria: Myriad Women's Health Autosomal Recessive and X-Linked Classification Criteria (2019). Collection method: clinical testing. Allele origin: unknown.
Comment: NM_001024943.1(ASL):c.379C>T(Q127*) is expected to be pathogenic in the context of argininosuccinic aciduria. This variant is predicted to lead to an abnormal or absent protein product due to the creation of a premature termination codon in ASL, a gene where loss-of-function variants are known to be pathogenic. Please note: this variant was assessed in the context of healthy population screening.